The following is an entry in ClinVar:

ClinVar aggregate classification (germline): Uncertain significance. Review status: criteria provided, multiple submitters, no conflicts (2 of 4 stars). 3 submissions from 3 submitters: Uncertain significance (2). 1 of the submissions does not count toward it. Last evaluated 2023-08-22.

Conditions:
ADGRV1-related disorder. Also called: ADGRV1-related condition; ADGRV1-related disorders.

Allele frequency attached by ClinVar (database versions not stated): gnomAD 0.00001; gnomAD exomes 0.00004 and 0.00012; TOPMed 0.00004; ExAC 0.00030.

Submissions (3):

Blueprint Genetics
Classification: Uncertain significance. Last evaluated: 2023-08-22. Review status: criteria provided, single submitter. Criteria: ACMG Guidelines, 2015. Collection method: clinical testing. Allele origin: germline.

Laboratory for Molecular Medicine, Mass General Brigham Personalized Medicine
Classification: Uncertain significance. Last evaluated: 2015-06-19. Review status: criteria provided, single submitter. Criteria: LMM Criteria. Collection method: clinical testing. Allele origin: germline. Observed: 1 variant allele.
Comment: The c.-26_-9del in the 5' UTR of GPR98 has not previously been identified in ind ividual's with hearing loss, but has been identified in 6/8296 European chromoso mes by the Exome Aggregation Consortium (ExAC). Although this variant has been seen in the general population, its frequency is not high enough to rule out a pathogenic role. This variant is located in the 5' untranslated region (UTR) and variants in regulatory regions could have an effe ct on transcriptional or translational efficiency. In summary, the clinical sign ificance of the c.-26_-9del variant is uncertain.

PreventionGenetics, part of Exact Sciences
Classification: Likely benign for ADGRV1-related condition. Last evaluated: 2020-07-31. Review status: no assertion criteria provided. Collection method: clinical testing. Allele origin: germline. Not counted in ClinVar's aggregate classification.
Comment: This variant is classified as likely benign based on ACMG/AMP sequence variant interpretation guidelines (Richards et al. 2015 PMID: 25741868, with internal and published modifications).

NM_032119.4(ADGRV1):c.-26_-9del

Gene: ADGRV1 (adhesion G protein-coupled receptor V1; plus strand). Cytogenetic location: 5q14.3.
Variant type: Deletion.
Coding change: c.-26_-9del on transcript NM_032119.4 (MANE Select); 26 bases upstream of the start codon through 9 bases upstream of the start codon, 18 bases deleted (CGGCGGGGACCGCCGGGA).
Molecular consequence: 5 prime UTR variant. On other transcripts: non-coding transcript variant (1).
Genome position (GRCh38, 1-based): chr5:90,558,870-90,558,887, CGGCGGGGACCGCCGGGA deleted. VCF-style (leftmost placement, unchanged base first): chr5-90558869-CCGGCGGGGACCGCCGGGA-C. GRCh37 (hg19) VCF-style: chr5-89854686-CCGGCGGGGACCGCCGGGA-C.
Other names: c.-26_-9del18 (NM_032119.3).
Identifiers: ClinVar variation 228719 (VCV000228719.7), dbSNP rs773996398, ClinGen allele CA3338337.